The following is an entry in ClinVar:

ClinVar aggregate classification (germline): Pathogenic (1 of 4 stars; one submission).

Conditions:
Sphingolipid activator protein 1 deficiency. Also called: METACHROMATIC LEUKODYSTROPHY DUE TO CEREBROSIDE SULFATASE ACTIVATOR DEFICIENCY; Metachromatic leukodystrophy due to saposin B deficiency; Saposin B Deficiency. Identifiers: Orphanet 512, MedGen C0268262, MONDO:0009590, OMIM 249900.

Submission:

Labcorp Genetics (formerly Invitae), Labcorp
Classification: Pathogenic for Sphingolipid activator protein 1 deficiency. Last evaluated: 2023-06-10. Review status: criteria provided, single submitter. Criteria: Invitae Variant Classification Sherloc (09022015). Collection method: clinical testing. Allele origin: germline.
Comment: This variant has not been reported in the literature in individuals affected with PSAP-related conditions. ClinVar contains an entry for this variant (Variation ID: 2026090). For these reasons, this variant has been classified as Pathogenic. This variant is not present in population databases (gnomAD no frequency). This sequence change creates a premature translational stop signal (p.Gln153*) in the PSAP gene. It is expected to result in an absent or disrupted protein product. Loss-of-function variants in PSAP are known to be pathogenic (PMID: 8554069, 11309366, 17616409, 19267410, 30632081).

Literature cited by the submitters: PubMed 8554069; PubMed 11309366; PubMed 17616409; PubMed 19267410; PubMed 30632081.

NM_002778.4(PSAP):c.457C>T (p.Gln153Ter)

Gene: PSAP (prosaposin; minus strand). Cytogenetic location: 10q22.1.
Variant type: single nucleotide variant.
Coding change: c.457C>T on transcript NM_002778.4 (MANE Select); coding-DNA position 457, C replaced by T.
Protein change: p.Gln153Ter; replaces glutamine 153 with a stop codon.
Molecular consequence: nonsense.
Genome position (GRCh38, 1-based): chr10:71,828,996, G>A on the plus strand (C>T on the coding strand, the complement: PSAP is on the minus strand). VCF-style: chr10-71828996-G-A. GRCh37 (hg19) VCF-style: chr10-73588753-G-A.
Other names: c.457C>T, p.Gln153Ter (NM_001042465.3, NM_001042466.3); short protein forms Q153*.
Identifiers: ClinVar variation 2026090 (VCV002026090.4), dbSNP rs2494526165, ClinGen allele CA377152413.